The following is an entry in ClinVar:

ClinVar aggregate classification (germline): Uncertain significance. Review status: criteria provided, multiple submitters, no conflicts (2 of 4 stars). 2 submissions from 2 submitters: Uncertain significance (2). Last evaluated 2024-03-01.

Submissions (2):

CeGaT Center for Human Genetics Tuebingen
Classification: Uncertain significance. Last evaluated: 2024-03-01. Review status: criteria provided, single submitter. Criteria: CeGaT Center For Human Genetics Tuebingen Variant Classification Criteria Version 2. Collection method: clinical testing. Allele origin: germline. Affected: yes. Observed: 1 variant allele.
Comment: ARIH1: PM2, PP2, PP3

Labcorp Genetics (formerly Invitae), Labcorp
Classification: Uncertain significance. Last evaluated: 2023-11-17. Review status: criteria provided, single submitter. Criteria: Invitae Variant Classification Sherloc (09022015). Collection method: clinical testing. Allele origin: germline.
Comment: This sequence change replaces glycine, which is neutral and non-polar, with arginine, which is basic and polar, at codon 64 of the ARIH1 protein (p.Gly64Arg). This variant is not present in population databases (gnomAD no frequency). This variant has not been reported in the literature in individuals affected with ARIH1-related conditions. Experimental studies and prediction algorithms are not available or were not evaluated, and the functional significance of this variant is currently unknown. In summary, the available evidence is currently insufficient to determine the role of this variant in disease. Therefore, it has been classified as a Variant of Uncertain Significance.

NM_005744.5(ARIH1):c.190G>A (p.Gly64Arg)

Gene: ARIH1 (ariadne RBR E3 ubiquitin protein ligase 1; plus strand). Cytogenetic location: 15q24.1.
Variant type: single nucleotide variant.
Coding change: c.190G>A on transcript NM_005744.5 (MANE Select); coding-DNA position 190, G replaced by A.
Protein change: p.Gly64Arg; replaces glycine 64 with arginine.
Molecular consequence: missense variant.
Genome position (GRCh38, 1-based): chr15:72,474,829, G>A. VCF-style: chr15-72474829-G-A. GRCh37 (hg19) VCF-style: chr15-72767170-G-A.
Other names: short protein forms G64R.
Identifiers: ClinVar variation 2803626 (VCV002803626.24), dbSNP rs1426082091, ClinGen allele CA393236942.
Genomic context (GRCh38, chr15:72,474,829, plus strand): 5'-GAGGTGGAGCTGGTGGAGCCCGGGCTGGGCGTCGGCGGGGAGCGGGACGGACTGCTGTGC[G>A]GGGAGACGGGCGGTGGCGGCGGCAGCGCTCTGGGGCCCGGCGGTGGCGGCGGCGGCGGCG-3'
Protein context (NP_005735.2, residues 54-74): VGGERDGLLC[Gly64Arg]ETGGGGGSAL